The following is an entry in ClinVar:

NM_004329.3(BMPR1A):c.-267-9T>C

Gene: BMPR1A (bone morphogenetic protein receptor type 1A; plus strand). Cytogenetic location: 10q23.2.
Variant type: single nucleotide variant.
Coding change: c.-267-9T>C on transcript NM_004329.3 (MANE Select); 9 bases into the intron before 267 bases upstream of the start codon, T replaced by C.
Molecular consequence: intron variant.
Genome position (GRCh38, 1-based): chr10:86,838,856, T>C. VCF-style: chr10-86838856-T-C. GRCh37 (hg19) VCF-style: chr10-88598613-T-C.
Identifiers: ClinVar variation 377561 (VCV000377561.2), dbSNP rs1057520240, ClinGen allele CA16606078.

ClinVar aggregate classification (germline): Likely benign. Review status: criteria provided, multiple submitters, no conflicts (2 of 4 stars). 2 submissions from 2 submitters: Likely benign (2). Last evaluated 2021-10-11.

Conditions:
Hereditary cancer-predisposing syndrome. Also called: Hereditary neoplastic syndrome; Hereditary Cancer Syndrome; Neoplastic Syndromes, Hereditary; Tumor predisposition. Identifiers: Orphanet 140162, MedGen C0027672, MeSH D009386, MONDO:0015356.

Allele frequency attached by ClinVar (database versions not stated): gnomAD 0.00001; TOPMed 0.00002.
gnomAD v4.1: 1 of 152,184 alleles (0.00066%); highest among the groups gnomAD compares: Non-Finnish European, 0.0015%; no homozygotes.

Submissions (2):

Sema4
Classification: Likely benign for Hereditary cancer-predisposing syndrome. Last evaluated: 2021-10-11. Review status: criteria provided, single submitter. Criteria: Sema4 Curation Guidelines. Collection method: curation. Allele origin: germline.

GeneDx
Classification: Likely benign. Last evaluated: 2017-12-29. Review status: criteria provided, single submitter. Criteria: GeneDx Variant Classification (06012015). Collection method: clinical testing. Allele origin: germline. Affected: yes.
Comment: This variant is considered likely benign or benign based on one or more of the following criteria: it is a conservative change, it occurs at a poorly conserved position in the protein, it is predicted to be benign by multiple in silico algorithms, and/or has population frequency not consistent with disease.